The following is an entry in ClinVar:

ClinVar aggregate classification (germline): Uncertain significance (1 of 4 stars; one submission).

Submission:

GeneDx
Classification: Uncertain significance. Last evaluated: 2023-03-28. Review status: criteria provided, single submitter. Criteria: GeneDx Variant Classification Process June 2021. Collection method: clinical testing. Allele origin: germline. Affected: yes.
Comment: Not observed at significant frequency in large population cohorts (gnomAD); Nonsense variant predicted to result in protein truncation or nonsense mediated decay in a gene or region of a gene for which loss of function is not a well-established mechanism of disease; Has not been previously published as pathogenic or benign to our knowledge

NM_213720.3(CHCHD10):c.259C>T (p.Gln87Ter)

Gene: CHCHD10 (coiled-coil-helix-coiled-coil-helix domain containing 10; minus strand). Cytogenetic location: 22q11.23.
Variant type: single nucleotide variant.
Coding change: c.259C>T on transcript NM_213720.3 (MANE Select); coding-DNA position 259, C replaced by T.
Protein change: p.Gln87Ter; replaces glutamine 87 with a stop codon.
Molecular consequence: nonsense. On other transcripts: non-coding transcript variant (1).
Genome position (GRCh38, 1-based): chr22:23,767,376, G>A on the plus strand (C>T on the coding strand, the complement: CHCHD10 is on the minus strand). VCF-style: chr22-23767376-G-A. GRCh37 (hg19) VCF-style: chr22-24109563-G-A.
Other names: c.259C>T, p.Gln87Ter (NM_001301339.2); short protein forms Q87*.
Identifiers: ClinVar variation 2582004 (VCV002582004.1), dbSNP rs2517621759, ClinGen allele CA410915710.